The following is an entry in ClinVar:

NM_020778.5(ALPK3):c.297del (p.Ile99fs)

Gene: ALPK3 (alpha kinase 3; plus strand). Cytogenetic location: 15q25.3.
Variant type: Deletion.
Coding change: c.297del on transcript NM_020778.5 (MANE Select); coding-DNA position 297, one base deleted (C; older notation c.297delC).
Protein change: p.Ile99fs; shifts the reading frame from isoleucine 99.
Molecular consequence: frameshift variant.
Genome position (GRCh38, 1-based): chr15:84,827,598, C deleted. VCF-style (leftmost placement, unchanged base first): chr15-84827597-TC-T. GRCh37 (hg19) VCF-style: chr15-85370828-TC-T.
Other names: c.903delC (NM_020778.4); c.297delC (NM_020778.5); short protein forms I99fs.
Identifiers: ClinVar variation 1342709 (VCV001342709.12), dbSNP rs770674513, ClinGen allele CA7708915.
Genomic context (GRCh38, chr15:84,827,597, plus strand): 5'-TTGAGACCACGCTCAAGTCCCGGTCTGTGTCCGAGGACAGCGACGTCAGGTTCACCTGCA[TC>T]GTCACAGGTAAGGATGCTGTCTGTATGCTCCATGCCAGGGCCTCTGCACAGAGCAGGGTC-3'

ClinVar aggregate classification (germline): Pathogenic/Likely pathogenic. Review status: criteria provided, multiple submitters, no conflicts (2 of 4 stars). 7 submissions from 7 submitters: Pathogenic (5); Likely pathogenic (2). Last evaluated 2025-11-25.

Conditions:
Cardiovascular phenotype. Identifiers: MedGen CN230736.
Primary familial hypertrophic cardiomyopathy (HCM). Identifiers: Orphanet 99739, MedGen C0949658, MeSH D024741, MONDO:0024573. Inheritance: Various modes of inheritance.
ALPK3-related disorder. Also called: ALPK3-related condition.
Cardiomyopathy, familial hypertrophic 27. Identifiers: MedGen C4748014, MONDO:0054838, OMIM 618052.

Allele frequency attached by ClinVar (database versions not stated): gnomAD exomes 0.00001 and 0.00002; TOPMed 0.00001; ExAC 0.00004.

Submissions (7):

Women's Health and Genetics/Laboratory Corporation of America, LabCorp
Classification: Pathogenic for Primary familial hypertrophic cardiomyopathy. Last evaluated: 2025-11-25. Review status: criteria provided, single submitter. Criteria: LabCorp Variant Classification Summary - May 2015. Collection method: clinical testing. Allele origin: germline.
Comment: Variant summary: ALPK3 c.297delC (p.Ile99MetfsX10), also annotated as c.903delC in NM_020778.4, results in a premature termination codon, predicted to cause a truncation of the encoded protein or absence of the protein due to nonsense mediated decay, which are commonly known mechanisms for disease. The variant allele was found at a frequency of 2.4e-05 in 251256 control chromosomes. c.297delC has been observed in related individuals affected with Hypertrophic Cardiomyopathy where the variant segregated with the phenotype in an autosomal dominant inheritance pattern (Fernlund_2020). These data indicate that the variant is likely associated with disease. To our knowledge, no experimental evidence demonstrating an impact on protein function has been reported. The following publication has been ascertained in the context of this evaluation (PMID: 33302605). ClinVar contains an entry for this variant (Variation ID: 1342709). Based on the evidence outlined above, the variant was classified as pathogenic for autosomal dominant Hypertrophic Cardiomyopathy and autosomal recessive Cardiomyopathy.

Ambry Genetics
Classification: Pathogenic for Cardiovascular phenotype. Last evaluated: 2025-01-15. Review status: criteria provided, single submitter. Criteria: Ambry Variant Classification Scheme 2023. Collection method: clinical testing. Allele origin: germline.
Comment: The c.903delC pathogenic mutation, located in coding exon 3 of the ALPK3 gene, results from a deletion of one nucleotide at nucleotide position 903, causing a translational frameshift with a predicted alternate stop codon (p.I301Mfs*10). This variant was reported in individual(s) with features consistent with hypertrophic cardiomyopathy (HCM) (Fernlund E et al. Genes (Basel), 2020 Dec;11:[ePub ahead of print]; Herkert JC et al. Am Heart J, 2020 Jul;225:108-119). In addition to the clinical data presented in the literature, this alteration is expected to result in loss of function by premature protein truncation or nonsense-mediated mRNA decay. As such, this alteration is interpreted as a disease-causing mutation.

Blueprint Genetics
Classification: Pathogenic for ALPK3-related disorders. Last evaluated: 2024-07-09. Review status: criteria provided, single submitter. Criteria: ACMG Guidelines, 2015. Collection method: clinical testing. Allele origin: germline. Affected: yes. Observed: 5 variant alleles.

Labcorp Genetics (formerly Invitae), Labcorp
Classification: Pathogenic. Last evaluated: 2024-06-18. Review status: criteria provided, single submitter. Criteria: Invitae Variant Classification Sherloc (09022015). Collection method: clinical testing. Allele origin: germline.
Comment: This sequence change creates a premature translational stop signal (p.Ile301Metfs*10) in the ALPK3 gene. It is expected to result in an absent or disrupted protein product. Loss-of-function variants in ALPK3 are known to be pathogenic (PMID: 21441111, 26846950, 27106955, 34263907). This variant is present in population databases (rs770674513, gnomAD 0.004%). This premature translational stop signal has been observed in individual(s) with hypertrophic cardiomyopathy (PMID: 32480058). ClinVar contains an entry for this variant (Variation ID: 1342709). For these reasons, this variant has been classified as Pathogenic.

Clinical Genetics Laboratory, Skane University Hospital Lund
Classification: Likely pathogenic. Last evaluated: 2023-07-20. Review status: criteria provided, single submitter. Criteria: ACMG Guidelines, 2015. Collection method: clinical testing. Allele origin: germline. Affected: yes.

Clinical Genetics Laboratory, Region Ostergotland
Classification: Likely pathogenic for Cardiomyopathy, familial hypertrophic 27. Last evaluated: 2021-04-15. Review status: criteria provided, single submitter. Criteria: ACMG Guidelines, 2015. Collection method: clinical testing. Allele origin: germline. Affected: yes.
Comment: PVS1, PM2

Lifecell International Pvt. Ltd
Classification: Pathogenic for Cardiomyopathy, familial hypertrophic 27. Review status: criteria provided, single submitter. Criteria: ACMG Guidelines, 2015. Collection method: clinical testing. Allele origin: germline. Inheritance: Autosomal recessive inheritance. Affected: yes. Observed: 1 homozygote.
Comment: A Homozygote Frameshift variant c.297delC in Exon 3 of the ALPK3 gene that results in the amino acid substitution p.Ile99fs*10 was identified. The observed variant has a minor allele frequency of 0.00002% in gnomAD exomes and novel in gnomAD genomes, respectively. The severity of the impact of this variant on the protein is high, based on the effect of the protein and REVEL score. Rare Exome Variant Ensemble Learner (REVEL) is an ensembl method for predicting the pathogenicity of missense variants based on a combination of scores from 13 individual tools: MutPred, FATHMM v2.3, VEST 3.0, PolyPhen-2, SIFT, PROVEAN, MutationAssessor, MutationTaster, LRT, GERP++, SiPhy, phyloP, and phastCons. The REVEL score for an individual missense variant can range from 0 to 1, with higher scores reflecting greater likelihood that the variant is disease-causing. ClinVar has also classified this variant as Pathogenic/Likely Pathogenic [Variation ID: 1342709]. This premature translational stop signal has been observed in individual(s) with hypertrophic cardiomyopathy (Herkert JC, et.al, 2020). For these reasons, this variant has been classified as Pathogenic.

Literature cited by the submitters: PubMed 33302605 (cited by Women's Health and Genetics/Laboratory Corporation of America, LabCorp and Ambry Genetics); PubMed 32480058 (cited by 3 submitters); PubMed 21441111 (cited by Labcorp Genetics (formerly Invitae), Labcorp); PubMed 26846950 (cited by Labcorp Genetics (formerly Invitae), Labcorp); PubMed 27106955 (cited by Labcorp Genetics (formerly Invitae), Labcorp); PubMed 34263907 (cited by Labcorp Genetics (formerly Invitae), Labcorp).